The following is an entry in ClinVar:

NM_005630.3(SLCO2A1):c.289C>T (p.Arg97Cys)

Gene: SLCO2A1 (solute carrier organic anion transporter family member 2A1; minus strand). Cytogenetic location: 3q22.1.
Variant type: single nucleotide variant.
Coding change: c.289C>T on transcript NM_005630.3 (MANE Select); coding-DNA position 289, C replaced by T.
Protein change: p.Arg97Cys; replaces arginine 97 with cysteine.
Molecular consequence: missense variant.
Genome position (GRCh38, 1-based): chr3:133,973,771, G>A on the plus strand (C>T on the coding strand, the complement: SLCO2A1 is on the minus strand). VCF-style: chr3-133973771-G-A. GRCh37 (hg19) VCF-style: chr3-133692615-G-A.
Other names: short protein forms R97C.
Identifiers: ClinVar variation 2502879 (VCV002502879.4), dbSNP rs761212094, ClinGen allele CA2626874.

ClinVar aggregate classification (germline): Uncertain significance. Review status: criteria provided, multiple submitters, no conflicts (2 of 4 stars). 3 submissions from 3 submitters: Uncertain significance (2). 1 of the submissions does not count toward it.

Conditions:
Hypertrophic osteoarthropathy, primary, autosomal recessive, 2 (PHOAR2E). Also called: PHOAR2-enteropathy syndrome; PACHYDERMOPERIOSTOSIS, AUTOSOMAL RECESSIVE; PDP, AUTOSOMAL RECESSIVE; HYPERTROPHIC OSTEOARTHROPATHY, PRIMARY, AUTOSOMAL RECESSIVE, 2/ENTEROPATHY SYNDROME. Identifiers: Orphanet 2796, MedGen C3280800, MONDO:0013756, OMIM 614441.

Allele frequency attached by ClinVar (database versions not stated): gnomAD 0.00001; TOPMed 0.00002; ExAC 0.00003; gnomAD exomes 0.00001.
gnomAD v4.1: 26 of 1,613,898 alleles (0.0016%); highest among the groups gnomAD compares: East Asian, 0.0022%; no homozygotes.

Submissions (3):

Kasturba Medical College, Manipal, Kasturba Medical College, Manipal, Manipal Academy of Higher Education, Manipal, India
Classification: Uncertain significance for Hypertrophic osteoarthropathy, primary, autosomal recessive, 2. Review status: criteria provided, single submitter. Criteria: ACMG Guidelines, 2015. Collection method: clinical testing. Allele origin: biparental. Affected: yes.

Neuberg Centre For Genomic Medicine, NCGM
Classification: Uncertain significance for Hypertrophic osteoarthropathy, primary, autosomal recessive, 2. Review status: criteria provided, single submitter. Criteria: ACMG Guidelines, 2015. Collection method: clinical testing. Allele origin: germline. Inheritance: Autosomal recessive inheritance. Affected: yes.
Comment: The missense c.289C>T p.Arg97Cys variant in SLCO2A1 gene has been previously reported in homozygous state in an individual affected with primary hypertrophic osteoarthropathy Albawa'neh et al., 2022. The p.Arg97Cys variant has been reported with allele frequency of 0.002% in gnomAD Exomes and is absent 1000 Genomes. This variant has not been reported to the ClinVar database. The amino acid change p.Arg97Cys in SLCO2A1 is predicted as conserved by GERP++ and PhyloP across 100 vertebrates. The amino acid Arg at position 97 is changed to a Cys changing protein sequence and it might alter its composition and physico-chemical properties. For these reasons, this variant has been classified as a Variant of Uncertain Significance VUS.

OMIM
Classification: Pathogenic for PHOAR2-ENTEROPATHY SYNDROME. Last evaluated: 2024-02-13. Review status: no assertion criteria provided. Collection method: literature only. Allele origin: germline. Not counted in ClinVar's aggregate classification.

Literature cited by the submitters: PubMed 28425581 (cited by OMIM).